The following is an entry in ClinVar:

NM_001378964.1(CDON):c.1253A>T (p.Asp418Val)

Gene: CDON (cell adhesion associated, oncogene regulated; minus strand). Cytogenetic location: 11q24.2.
Variant type: single nucleotide variant.
Coding change: c.1253A>T on transcript NM_001378964.1 (MANE Select); coding-DNA position 1253, A replaced by T.
Protein change: p.Asp418Val; replaces aspartic acid 418 with valine.
Molecular consequence: missense variant.
Genome position (GRCh38, 1-based): chr11:126,010,640, T>A on the plus strand (A>T on the coding strand, the complement: CDON is on the minus strand). VCF-style: chr11-126010640-T-A. GRCh37 (hg19) VCF-style: chr11-125880535-T-A.
Other names: c.1253A>T, p.Asp418Val (NM_001243597.3, NM_016952.6); short protein forms D418V.
Identifiers: ClinVar variation 303520 (VCV000303520.5), dbSNP rs753627841, ClinGen allele CA6352073.

ClinVar aggregate classification (germline): Likely benign (1 of 4 stars; one submission).

Conditions:
Holoprosencephaly 11 (HPE11). Identifiers: Orphanet 2162, MedGen C3280215, MONDO:0013642, OMIM 614226.

Allele frequency attached by ClinVar (database versions not stated): gnomAD exomes 0.00003 and 0.00007; ExAC 0.00007; gnomAD below 0.00001 and 0.00002.
gnomAD v4.1: 43 of 1,614,098 alleles (0.0027%); highest among the groups gnomAD compares: South Asian, 0.046%; no homozygotes.

Submission:

Illumina Laboratory Services, Illumina
Classification: Likely benign for Holoprosencephaly 11. Last evaluated: 2018-01-13. Review status: criteria provided, single submitter. Criteria: ICSL Variant Classification Criteria 13 December 2019. Collection method: clinical testing. Allele origin: germline.
Comment: This variant was observed in the ICSL laboratory as part of a predisposition screen in an ostensibly healthy population. It had not been previously curated by ICSL or reported in the Human Gene Mutation Database (HGMD: prior to June 1st, 2018), and was therefore a candidate for classification through an automated scoring system. Utilizing variant allele frequency, disease prevalence and penetrance estimates, and inheritance mode, an automated score was calculated to assess if this variant is too frequent to cause the disease. Based on the score and internal cut-off values, a variant classified as likely benign is not then subjected to further curation. The score for this variant resulted in a classification of likely benign for this disease.